The following is an entry in ClinVar:

NM_001267550.2(TTN):c.4995dup (p.Thr1666fs)

Gene: TTN (titin; minus strand). Cytogenetic location: 2q31.2.
Variant type: Duplication.
Coding change: c.4995dup on transcript NM_001267550.2 (MANE Select); coding-DNA position 4995, one base duplicated (G; older notation c.4995dupG).
Protein change: p.Thr1666fs; shifts the reading frame from threonine 1666.
Molecular consequence: frameshift variant.
Genome position (GRCh38, 1-based): chr2:178,776,869, C duplicated on the plus strand (G on the coding strand, the reverse complement: TTN is on the minus strand); the first of 5 consecutive C bases (chr2:178,776,869-178,776,873); duplicating any one gives the same sequence. VCF-style (leftmost placement, unchanged base first): chr2-178776868-T-TC. GRCh37 (hg19) VCF-style: chr2-179641595-T-TC.
Other names: c.4995dup, p.Thr1666fs (NM_001256850.1, NM_133378.4, NM_133379.5); c.4857dup, p.Thr1620fs (NM_003319.4, NM_133432.3, NM_133437.4); c.4857dupG (NM_003319.4); short protein forms T1620fs, T1666fs.
Identifiers: ClinVar variation 3812316 (VCV003812316.1).

ClinVar aggregate classification (germline): Likely pathogenic (1 of 4 stars; one submission).

Conditions:
Cardiovascular phenotype. Identifiers: MedGen CN230736.

Submission:

Ambry Genetics
Classification: Likely pathogenic for Cardiovascular phenotype. Last evaluated: 2025-02-06. Review status: criteria provided, single submitter. Criteria: Ambry Variant Classification Scheme 2023. Collection method: clinical testing. Allele origin: germline.
Comment: The c.4857dupG (p.T1620Dfs*3) alteration, located in exon 27 (coding exon 26) of the TTN gene, consists of a duplication of G at position 4857, causing a translational frameshift with a predicted alternate stop codon after 3 amino acids. This alteration is expected to result in loss of function by premature protein truncation or nonsense-mediated mRNA decay. This variant was not reported in population-based cohorts in the Genome Aggregation Database (gnomAD). This exon is located in the near Z-disk/I-band region of the N2-B isoform of the titin protein and is constitutively expressed in TTN transcripts (percent spliced in or PSI 100%). Based on the available evidence, this alteration is classified as likely pathogenic.